The following is an entry in ClinVar:

NM_020937.4(FANCM):c.5126C>T (p.Pro1709Leu)

Gene: FANCM (FA complementation group M; plus strand). Cytogenetic location: 14q21.2.
Variant type: single nucleotide variant.
Coding change: c.5126C>T on transcript NM_020937.4 (MANE Select); coding-DNA position 5126, C replaced by T.
Protein change: p.Pro1709Leu; replaces proline 1709 with leucine.
Molecular consequence: missense variant.
Genome position (GRCh38, 1-based): chr14:45,189,148, C>T. VCF-style: chr14-45189148-C-T. GRCh37 (hg19) VCF-style: chr14-45658351-C-T.
Other names: c.5048C>T, p.Pro1683Leu (NM_001308133.2); short protein forms P1683L, P1709L.
Identifiers: ClinVar variation 2503304 (VCV002503304.3), dbSNP rs1471440513, ClinGen allele CA389612552.

ClinVar aggregate classification (germline): Uncertain significance. Review status: criteria provided, multiple submitters, no conflicts (2 of 4 stars). 3 submissions from 3 submitters: Uncertain significance (3). Last evaluated 2025-12-18.

Conditions:
Inborn genetic diseases. Identifiers: MedGen C0950123, MeSH D030342.
Fanconi anemia (FA). Also called: Fanconi's anemia. Identifiers: Orphanet 84, MedGen C0015625, MeSH D005199, MONDO:0019391.

Allele frequency attached by ClinVar (database versions not stated): TOPMed below 0.00001.
gnomAD v4.1: 1 of 1,614,114 alleles (0.000062%); highest among the groups gnomAD compares: Admixed American, 0.0017%; no homozygotes.

Submissions (3):

Labcorp Genetics (formerly Invitae), Labcorp
Classification: Uncertain significance for Fanconi anemia. Last evaluated: 2025-12-18. Review status: criteria provided, single submitter. Criteria: Invitae Variant Classification Sherloc (09022015). Collection method: clinical testing. Allele origin: germline.
Comment: This sequence change replaces proline, which is neutral and non-polar, with leucine, which is neutral and non-polar, at codon 1709 of the FANCM protein (p.Pro1709Leu). This variant is present in population databases (no rsID available, gnomAD 0.003%). This variant has not been reported in the literature in individuals affected with FANCM-related conditions. ClinVar contains an entry for this variant (Variation ID: 2503304). An algorithm developed to predict the effect of missense changes on protein structure and function outputs the following: PolyPhen-2: "Benign". The leucine amino acid residue is found in multiple mammalian species, which suggests that this missense change does not adversely affect protein function. In summary, the available evidence is currently insufficient to determine the role of this variant in disease. Therefore, it has been classified as a Variant of Uncertain Significance.

Ambry Genetics
Classification: Uncertain significance for Inborn genetic diseases. Last evaluated: 2025-05-17. Review status: criteria provided, single submitter. Criteria: Ambry Variant Classification Scheme 2023. Collection method: clinical testing. Allele origin: germline.
Comment: The p.P1709L variant (also known as c.5126C>T), located in coding exon 20 of the FANCM gene, results from a C to T substitution at nucleotide position 5126. The proline at codon 1709 is replaced by leucine, an amino acid with similar properties. This amino acid position is conserved. In addition, this alteration is predicted to be tolerated by in silico analysis. Based on the available evidence, the clinical significance of this variant remains unclear.

GeneDx
Classification: Uncertain significance. Last evaluated: 2022-11-23. Review status: criteria provided, single submitter. Criteria: GeneDx Variant Classification Process June 2021. Collection method: clinical testing. Allele origin: germline. Affected: yes.
Comment: Not observed at significant frequency in large population cohorts (gnomAD); In silico analysis supports that this missense variant has a deleterious effect on protein structure/function; Has not been previously published as pathogenic or benign to our knowledge